The following is an entry in ClinVar:

NM_000334.4(SCN4A):c.685del (p.Thr229fs)

Gene: SCN4A (sodium voltage-gated channel alpha subunit 4; minus strand). Cytogenetic location: 17q23.3.
Variant type: Deletion.
Coding change: c.685del on transcript NM_000334.4 (MANE Select); coding-DNA position 685, one base deleted (A; older notation c.685delA).
Protein change: p.Thr229fs; shifts the reading frame from threonine 229.
Molecular consequence: frameshift variant.
Genome position (GRCh38, 1-based): chr17:63,971,180, T deleted on the plus strand (A on the coding strand, the reverse complement: SCN4A is on the minus strand); the first of 4 consecutive T bases (chr17:63,971,180-63,971,183); deleting any one gives the same sequence. VCF-style (leftmost placement, unchanged base first): chr17-63971179-GT-G. GRCh37 (hg19) VCF-style: chr17-62048539-GT-G.
Other names: c.685delA (NM_000334.4); short protein forms T229fs.
Identifiers: ClinVar variation 1032988 (VCV001032988.1), dbSNP rs1909597270, ClinGen allele CA2270175227.
Genomic context (GRCh38, chr17:63,971,179, plus strand): 5'-GGTCTCTCAGCTCAGGCAGAGGGTCCCTGCACCTCCCCAGTACCTGGGATGACCGTGATG[GT>G]TTTGAGGGCCCGCAGCACCCGGAAGGTCCTCAGGGCTGAGATGTTGCCCAAGTCCACAAA-3'

ClinVar aggregate classification (germline): Pathogenic (1 of 4 stars; one submission).

Conditions:
Congenital myasthenic syndrome 16. Identifiers: Orphanet 590, MedGen C3280112, MONDO:0013620, OMIM 614198.

Submission:

Baylor Genetics
Classification: Pathogenic for Congenital myasthenic syndrome 16. Last evaluated: 2018-08-14. Review status: criteria provided, single submitter. Criteria: ACMG Guidelines, 2015. Collection method: clinical testing. Allele origin: de novo. Affected: yes.
Comment: This variant was determined to be pathogenic according to ACMG Guidelines, 2015 [PMID:25741868].